The following is an entry in ClinVar:

GRCh38/hg38 16q24.3(chr16:89487341-89510024)x1

Genes: ANKRD11 (ankyrin repeat domain 11; minus strand), ANKRD11-DT (ANKRD11 divergent transcript; minus strand), SPG7 (SPG7 matrix AAA peptidase subunit, paraplegin; plus strand), LOC130059811 (ATAC-STARR-seq lymphoblastoid active region 11413; plus strand), LOC130059812 (ATAC-STARR-seq lymphoblastoid silent region 7906; plus strand) and 7 more. Cytogenetic location: 16q24.3.
Variant type: copy number loss.
Change: copy number 1 (one copy instead of two) of chr16:89,487,341-89,510,024 (22.7 kb, GRCh38 coordinates, 1-based), cytogenetic band 16q24.3.
Identifiers: ClinVar variation 4886760 (VCV004886760.1).

ClinVar aggregate classification (germline): Uncertain significance (1 of 4 stars; one submission).

Conditions:
KBG syndrome (KBGS). Also called: ANKRD11-Related KBG Syndrome. Identifiers: Orphanet 2332, MedGen C0220687, MONDO:0007846, OMIM 148050.

Submission:

Umrani?ye Training and Research Hospital
Classification: Uncertain significance for KBG syndrome. Last evaluated: 2026-08-17. Review status: criteria provided, single submitter. Criteria: ACMG/ClinGen CNV Guidelines, 2019. Collection method: clinical testing. Allele origin: paternal, germline. Inheritance: Autosomal dominant inheritance. Affected: yes. Observed: 2 variant alleles.
Comment: Deletion removing the non-coding 5'UTR exon 1 and the promoter region of ANKRD11; no coding sequence is removed. Initially ascertained as likely pathogenic, and classified as a variant of uncertain significance following systematic ACMG/AMP re-analysis. Published deletions of non-coding 5' exons of ANKRD11 support a possible pathogenic role (PMID:36628575; PMID:40004465), but the available evidence is insufficient for a definitive classification.

Literature cited by the submitters: PubMed 36628575; PubMed 40004465; PubMed 42808190.